The following is an entry in ClinVar:

NM_004304.5(ALK):c.4807C>T (p.His1603Tyr)

Gene: ALK (ALK receptor tyrosine kinase; minus strand). Cytogenetic location: 2p23.2.
Variant type: single nucleotide variant.
Coding change: c.4807C>T on transcript NM_004304.5 (MANE Select); coding-DNA position 4807, C replaced by T.
Protein change: p.His1603Tyr; replaces histidine 1603 with tyrosine.
Molecular consequence: missense variant.
Genome position (GRCh38, 1-based): chr2:29,193,280, G>A on the plus strand (C>T on the coding strand, the complement: ALK is on the minus strand). VCF-style: chr2-29193280-G-A. GRCh37 (hg19) VCF-style: chr2-29416146-G-A.
Other names: c.1603C>T, p.His535Tyr (NM_001353765.2); short protein forms H535Y, H1603Y.
Identifiers: ClinVar variation 1743234 (VCV001743234.8), dbSNP rs780454793, ClinGen allele CA346460169.

ClinVar aggregate classification (germline): Conflicting classifications of pathogenicity. Review status: criteria provided, conflicting classifications (1 of 4 stars). 2 submissions from 2 submitters: Uncertain significance (1); Likely benign (1). Last evaluated 2025-11-12.

Conditions:
Hereditary cancer-predisposing syndrome. Also called: Neoplastic Syndromes, Hereditary; Tumor predisposition; Hereditary Cancer Syndrome; Hereditary neoplastic syndrome. Identifiers: Orphanet 140162, MedGen C0027672, MeSH D009386, MONDO:0015356.
Neuroblastoma, susceptibility to, 3. Also called: ALK-Related Neuroblastic Tumor Susceptibility. Identifiers: Orphanet 635, MedGen C2751681, MONDO:0013083, OMIM 613014.

gnomAD v4.1: 2 of 1,614,124 alleles (0.00012%); highest among the groups gnomAD compares: South Asian, 0.0011%; no homozygotes.

Submissions (2):

Labcorp Genetics (formerly Invitae), Labcorp
Classification: Uncertain significance for Neuroblastoma, susceptibility to, 3. Last evaluated: 2025-11-12. Review status: criteria provided, single submitter. Criteria: Invitae Variant Classification Sherloc (09022015). Collection method: clinical testing. Allele origin: germline.
Comment: This sequence change replaces histidine, which is basic and polar, with tyrosine, which is neutral and polar, at codon 1603 of the ALK protein (p.His1603Tyr). This variant is present in population databases (no rsID available, gnomAD 0.003%). This variant has not been reported in the literature in individuals affected with ALK-related conditions. ClinVar contains an entry for this variant (Variation ID: 1743234). An algorithm developed to predict the effect of missense changes on protein structure and function (PolyPhen-2) suggests that this variant is likely to be tolerated. In summary, the available evidence is currently insufficient to determine the role of this variant in disease. Therefore, it has been classified as a Variant of Uncertain Significance.

Ambry Genetics
Classification: Likely benign for Hereditary cancer-predisposing syndrome. Last evaluated: 2024-12-13. Review status: criteria provided, single submitter. Criteria: Ambry Variant Classification Scheme 2023. Collection method: clinical testing. Allele origin: germline.